The following is an entry in ClinVar:

ClinVar aggregate classification (germline): Uncertain significance (1 of 4 stars; one submission).

Submission:

Labcorp Genetics (formerly Invitae), Labcorp
Classification: Uncertain significance. Last evaluated: 2021-08-31. Review status: criteria provided, single submitter. Criteria: Invitae Variant Classification Sherloc (09022015). Collection method: clinical testing. Allele origin: germline.
Comment: In summary, the available evidence is currently insufficient to determine the role of this variant in disease. Therefore, it has been classified as a Variant of Uncertain Significance. Algorithms developed to predict the effect of missense changes on protein structure and function are either unavailable or do not agree on the potential impact of this missense change (SIFT: "Deleterious"; PolyPhen-2: "Benign"; Align-GVGD: "Class C0"). This variant has not been reported in the literature in individuals affected with PRPF8-related conditions. This variant is not present in population databases (ExAC no frequency). This sequence change replaces leucine with phenylalanine at codon 839 of the PRPF8 protein (p.Leu839Phe). The leucine residue is highly conserved and there is a small physicochemical difference between leucine and phenylalanine.

NM_006445.4(PRPF8):c.2515C>T (p.Leu839Phe)

Gene: PRPF8 (pre-mRNA processing factor 8; minus strand). Cytogenetic location: 17p13.3.
Variant type: single nucleotide variant.
Coding change: c.2515C>T on transcript NM_006445.4 (MANE Select); coding-DNA position 2515, C replaced by T.
Protein change: p.Leu839Phe; replaces leucine 839 with phenylalanine.
Molecular consequence: missense variant.
Genome position (GRCh38, 1-based): chr17:1,676,244, G>A on the plus strand (C>T on the coding strand, the complement: PRPF8 is on the minus strand). VCF-style: chr17-1676244-G-A. GRCh37 (hg19) VCF-style: chr17-1579538-G-A.
Other names: short protein forms L839F.
Identifiers: ClinVar variation 1378836 (VCV001378836.6), dbSNP rs2151128041, ClinGen allele CA397550562.